The following is an entry in ClinVar:

NC_000003.11:g.(10132070_10133864)_(10136048_10136883)del

Genes: FANCD2 (FA complementation group D2; plus strand), FANCD2OS (FANCD2 opposite strand; minus strand). Cytogenetic location: 3p25.3.
Variant type: Deletion.
Identifiers: ClinVar variation 1695997 (VCV001695997.1).

ClinVar aggregate classification (germline): Likely pathogenic (1 of 4 stars; one submission).

Conditions:
Fanconi anemia (FA). Also called: Fanconi's anemia. Identifiers: Orphanet 84, MedGen C0015625, MeSH D005199, MONDO:0019391.

Submission:

Women's Health and Genetics/Laboratory Corporation of America, LabCorp
Classification: Likely pathogenic for Fanconi anemia. Last evaluated: 2022-05-27. Review status: criteria provided, single submitter. Criteria: LabCorp Variant Classification Summary - May 2015. Collection method: clinical testing. Allele origin: germline.
Comment: Variant summary: The variant identified by MLPA or other technology involves the deletion of exons 38-40 in the FANCD2 gene. A presumed nomenclature of c.(3777+1_3778-1)_(3963+1_3964-1)del has been designated for the purposes of this classification. Although exact breakpoints of this deletion are not known, it is expected to result in an in-frame deletion change in the FANCD2 gene, removing 62 amino acids (the predicted protein level effect of the variant is p.Ile1260_Arg1321del). The variant was absent in 21694 control chromosomes (gnomAD database, Structural Variants dataset). To our knowledge, no occurrence of c.(3777+1_3778-1)_(3963+1_3964-1)del in individuals affected with Fanconi Anemia and no experimental evidence demonstrating its impact on protein function have been reported. However, missense- and splice variants in this region have been reported in affected individuals (HGMD), indicating the functional importance of this protein region. No clinical diagnostic laboratories have submitted clinical-significance assessments for this variant to ClinVar after 2014. Based on the evidence outlined above, the variant was classified as likely pathogenic.